The following is an entry in ClinVar:

ClinVar aggregate classification (germline): Uncertain significance (1 of 4 stars; one submission).

Submission:

GeneDx
Classification: Uncertain significance. Last evaluated: 2025-06-26. Review status: criteria provided, single submitter. Criteria: GeneDx Variant Classification Process June 2021. Collection method: clinical testing. Allele origin: germline. Affected: yes.
Comment: Not observed at significant frequency in large population cohorts (gnomAD); In silico analysis supports that this missense variant has a deleterious effect on protein structure/function; Has not been previously published as pathogenic or benign to our knowledge

NM_006013.5(RPL10):c.262C>T (p.Arg88Trp)

Gene: RPL10 (ribosomal protein L10; plus strand). Cytogenetic location: Xq28.
Variant type: single nucleotide variant.
Coding change: c.262C>T on transcript NM_006013.5 (MANE Select); coding-DNA position 262, C replaced by T.
Protein change: p.Arg88Trp; replaces arginine 88 with tryptophan.
Molecular consequence: missense variant.
Genome position (GRCh38, 1-based): chrX:154,399,874, C>T. VCF-style: chrX-154399874-C-T. GRCh37 (hg19) VCF-style: chrX-153628215-C-T.
Other names: c.262C>T, p.Arg88Trp (NM_001256577.2, NM_001303624.2, NM_001303625.1 and 1 more transcripts); c.154C>T, p.Arg52Trp (NM_001256580.2); short protein forms R52W, R88W.
Identifiers: ClinVar variation 4540251 (VCV004540251.1).